The following is an entry in ClinVar:

NM_001394062.1(MACF1):c.17849A>G (p.Gln5950Arg)

Gene: MACF1 (microtubule actin crosslinking factor 1; plus strand). Cytogenetic location: 1p34.3.
Variant type: single nucleotide variant.
Coding change: c.17849A>G on transcript NM_001394062.1 (MANE Select); coding-DNA position 17849, A replaced by G.
Protein change: p.Gln5950Arg; replaces glutamine 5950 with arginine.
Molecular consequence: missense variant.
Genome position (GRCh38, 1-based): chr1:39,435,622, A>G. VCF-style: chr1-39435622-A-G. GRCh37 (hg19) VCF-style: chr1-39901294-A-G.
Other names: c.5918A>G, p.Gln1973Arg (NM_001397473.1); c.11663A>G, p.Gln3888Arg (NM_012090.5); short protein forms Q5950R, Q1973R, Q3888R.
Identifiers: ClinVar variation 2701696 (VCV002701696.3), dbSNP rs2523110415, ClinGen allele CA339805733.

ClinVar aggregate classification (germline): Uncertain significance (1 of 4 stars; one submission).

Allele frequency attached by ClinVar (database versions not stated): gnomAD exomes below 0.00001.

Submission:

Labcorp Genetics (formerly Invitae), Labcorp
Classification: Uncertain significance. Last evaluated: 2025-11-10. Review status: criteria provided, single submitter. Criteria: Invitae Variant Classification Sherloc (09022015). Collection method: clinical testing. Allele origin: germline.
Comment: This sequence change replaces glutamine, which is neutral and polar, with arginine, which is basic and polar, at codon 3888 of the MACF1 protein (p.Gln3888Arg). This variant is not present in population databases (gnomAD no frequency). This variant has not been reported in the literature in individuals affected with MACF1-related conditions. ClinVar contains an entry for this variant (Variation ID: 2701696). An algorithm developed to predict the effect of missense changes on protein structure and function (PolyPhen-2) suggests that this variant is likely to be disruptive. In summary, the available evidence is currently insufficient to determine the role of this variant in disease. Therefore, it has been classified as a Variant of Uncertain Significance.